The following is an entry in ClinVar:

NM_001330311.2(DVL1):c.67G>T (p.Val23Leu)

Gene: DVL1 (dishevelled segment polarity protein 1; minus strand). Cytogenetic location: 1p36.33.
Variant type: single nucleotide variant.
Coding change: c.67G>T on transcript NM_001330311.2 (MANE Select); coding-DNA position 67, G replaced by T.
Protein change: p.Val23Leu; replaces valine 23 with leucine.
Molecular consequence: missense variant.
Genome position (GRCh38, 1-based): chr1:1,348,999, C>A on the plus strand (G>T on the coding strand, the complement: DVL1 is on the minus strand). VCF-style: chr1-1348999-C-A. GRCh37 (hg19) VCF-style: chr1-1284379-C-A.
Other names: c.67G>T, p.Val23Leu (NM_004421.3); short protein forms V23L.
Identifiers: ClinVar variation 2908646 (VCV002908646.3), dbSNP rs572226696, ClinGen allele CA520871.

ClinVar aggregate classification (germline): Uncertain significance (1 of 4 stars; one submission).

Allele frequency attached by ClinVar (database versions not stated): ExAC 0.00001; gnomAD 0.00005; 1000 Genomes Project 30x 0.00016; 1000 Genomes Project 0.00020.
gnomAD v4.1: 17 of 1,576,828 alleles (0.0011%); highest among the groups gnomAD compares: African/African-American, 0.019%; no homozygotes.

Submission:

Labcorp Genetics (formerly Invitae), Labcorp
Classification: Uncertain significance. Last evaluated: 2023-03-01. Review status: criteria provided, single submitter. Criteria: Invitae Variant Classification Sherloc (09022015). Collection method: clinical testing. Allele origin: germline.
Comment: This sequence change replaces valine, which is neutral and non-polar, with leucine, which is neutral and non-polar, at codon 23 of the DVL1 protein (p.Val23Leu). This variant is present in population databases (rs572226696, gnomAD 0.02%). In summary, the available evidence is currently insufficient to determine the role of this variant in disease. Therefore, it has been classified as a Variant of Uncertain Significance. This variant has not been reported in the literature in individuals affected with DVL1-related conditions. Advanced modeling of protein sequence and biophysical properties (such as structural, functional, and spatial information, amino acid conservation, physicochemical variation, residue mobility, and thermodynamic stability) performed at Invitae indicates that this missense variant is not expected to disrupt DVL1 protein function.